The following is an entry in ClinVar:

ClinVar aggregate classification (germline): Uncertain significance. Review status: criteria provided, multiple submitters, no conflicts (2 of 4 stars). 3 submissions from 3 submitters: Uncertain significance (3). Last evaluated 2026-09-04.

Conditions:
Hereditary cancer-predisposing syndrome. Also called: Hereditary Cancer Syndrome; Hereditary neoplastic syndrome; Tumor predisposition; Neoplastic Syndromes, Hereditary. Identifiers: Orphanet 140162, MedGen C0027672, MeSH D009386, MONDO:0015356.

Submissions (3):

GeneDx
Classification: Uncertain significance. Last evaluated: 2026-09-04. Review status: criteria provided, single submitter. Criteria: GeneDx Variant Classification Process June 2021. Collection method: clinical testing. Allele origin: germline.
Comment: Not observed at significant frequency in large population cohorts (gnomAD); In silico analysis supports that this missense variant has a deleterious effect on protein structure/function; Has not been previously published as pathogenic or benign to our knowledge

Labcorp Genetics (formerly Invitae), Labcorp
Classification: Uncertain significance. Last evaluated: 2025-12-21. Review status: criteria provided, single submitter. Criteria: Invitae Variant Classification Sherloc (09022015). Collection method: clinical testing. Allele origin: germline.
Comment: This sequence change replaces proline, which is neutral and non-polar, with arginine, which is basic and polar, at codon 1661 of the POLE protein (p.Pro1661Arg). This variant is not present in population databases (gnomAD no frequency). This variant has not been reported in the literature in individuals affected with POLE-related conditions. ClinVar contains an entry for this variant (Variation ID: 840891). Invitae Evidence Modeling of protein sequence and biophysical properties (such as structural, functional, and spatial information, amino acid conservation, physicochemical variation, residue mobility, and thermodynamic stability) indicates that this missense variant is expected to disrupt POLE protein function with a positive predictive value of 80%. In summary, the available evidence is currently insufficient to determine the role of this variant in disease. Therefore, it has been classified as a Variant of Uncertain Significance.

Ambry Genetics
Classification: Uncertain significance for Hereditary cancer-predisposing syndrome. Last evaluated: 2024-07-28. Review status: criteria provided, single submitter. Criteria: Ambry Variant Classification Scheme 2023. Collection method: clinical testing. Allele origin: germline.
Comment: The p.P1661R variant (also known as c.4982C>G), located in coding exon 38 of the POLE gene, results from a C to G substitution at nucleotide position 4982. The proline at codon 1661 is replaced by arginine, an amino acid with dissimilar properties. This amino acid position is conserved. In addition, the in silico prediction for this alteration is inconclusive. Since supporting evidence is limited at this time, the clinical significance of this alteration remains unclear.

NM_006231.4(POLE):c.4982C>G (p.Pro1661Arg)

Gene: POLE (DNA polymerase epsilon, catalytic subunit; minus strand). Cytogenetic location: 12q24.33.
Variant type: single nucleotide variant.
Coding change: c.4982C>G on transcript NM_006231.4 (MANE Select); coding-DNA position 4982, C replaced by G.
Protein change: p.Pro1661Arg; replaces proline 1661 with arginine.
Molecular consequence: missense variant.
Genome position (GRCh38, 1-based): chr12:132,642,368, G>C on the plus strand (C>G on the coding strand, the complement: POLE is on the minus strand). VCF-style: chr12-132642368-G-C. GRCh37 (hg19) VCF-style: chr12-133218954-G-C.
Other names: short protein forms P1661R.
Identifiers: ClinVar variation 840891 (VCV000840891.13), dbSNP rs2042165660, ClinGen allele CA387377559.
Genomic context (GRCh38, chr12:132,642,368, plus strand): 5'-TTGTGGCGCTGGAGGTGGCGGGCAAAGAAGAGGTCGGAGCCGAATGTGGAGATGTCCTCT[G>C]GTAGGTTCCCAATGGGAATGTGAAAGTACCTGCACCAGGGCACAGGTCAGCACCGGGGCA-3'
Protein context (NP_006222.2, residues 1651-1671): RYFHIPIGNL[Pro1661Arg]EDISTFGSDL